The following is an entry in ClinVar:

ClinVar aggregate classification (germline): Likely pathogenic (1 of 4 stars; one submission).

Conditions:
Lynch syndrome 4 (LYNCH4). Also called: Colorectal cancer, hereditary nonpolyposis, type 4; Hereditary non-polyposis colorectal cancer, type 4. Identifiers: Orphanet 144, MedGen C1838333, MONDO:0013699, OMIM 614337. Disease mechanism: loss of function.

Submission:

Institute of Human Genetics, University of Leipzig Medical Center
Classification: Likely pathogenic for Lynch syndrome 4. Last evaluated: 2023-01-09. Review status: criteria provided, single submitter. Criteria: ACMG Guidelines, 2015. Collection method: clinical testing. Allele origin: unknown. Affected: yes.
Comment: _x000D_ Criteria applied: PVS1, PM2_SUP, PS4_MOD

NM_000535.7:c.(1144+1_1145-1)_(2174+1_2175-1)dup

Gene: PMS2 (PMS1 homolog 2, mismatch repair system component; minus strand).
Variant type: Duplication.
Other names: c.(1144+1_1145-1)_(2174+1_2175-1)dup (NM_000535.7).
Identifiers: ClinVar variation 2430259 (VCV002430259.1).